The following continues an entry in ClinVar:

NM_000020.3(ACVRL1):c.1231C>T (p.Arg411Trp)

Gene: ACVRL1. ClinVar aggregate classification (germline): Pathogenic/Likely pathogenic. Pathogenic (10); Likely pathogenic (1).

Submissions 10 to 13 of 13:

ARUP Laboratories, Molecular Genetics and Genomics, ARUP Laboratories
Classification: Pathogenic for Telangiectasia, hereditary hemorrhagic, type 2. Last evaluated: 2020-04-04. Review status: criteria provided, single submitter. Criteria: ARUP Molecular Germline Variant Investigation Process. Collection method: clinical testing. Allele origin: germline.
Comment: The ACVRL1 c.1231C>T; p.Arg411Trp variant (rs121909287) is reported in multiple individuals with hereditary hemorrhagic telangiectasia (HHT) and/or pulmonary arterial hypertension (PAH), and has been shown to co-segregate with disease (Abdalla 2003, Piao 2016, Trembath 2001, see link to ACVRL1 database and references therein). This variant is located in the catalytic domain of ACVRL1 and functional data indicate that it leads to impaired BMP9 signaling (Alaa El Din 2015, Piao 2016, Ricard 2010). The arginine at codon 411 has been described as a mutation hotspot (Lesca 2004), as both Arg411Pro and Arg411Gln are also frequently observed in HHT patients, both in our laboratory and as reported in the published literature (Lesca 2004, see ACVRL1 database and references therein). The p.Arg411Trp variant is also reported in ClinVar (Variation ID: 8251). It is absent from general population databases (1000 Genomes Project, Exome Variant Server, and Genome Aggregation Database), indicating it is not a common polymorphism. The ariginine at codon 411 is highly conserved and computational analyses (SIFT, PolyPhen-2) predict this variant to be deleterious. Based on available information, this variant is considered to be pathogenic. REFERENCES Link to ACVRL1 database: Abdalla SA et al. Visceral manifestations in hereditary haemorrhagic telangiectasia type 2. J Med Genet. 2003 Jul;40(7):494-502. Alaa El Din F et al. Functional and splicing defect analysis of 23 ACVRL1 mutations in a cohort of patients affected by Hereditary Hemorrhagic Telangiectasia. PLoS One. 2015 Jul 15;10(7):e0132111. Hume AN et al. Retention in the endoplasmic reticulum is the underlying mechanism of some hereditary haemorrhagic telangiectasia type 2 ALK1 missense mutations. Mol Cell Biochem. 2013 Jan;373(1-2):247-57. Lesca G et al. Molecular screening of ALK1/ACVRL1 and ENG genes in hereditary hemorrhagic telangiectasia in France. Hum Mutat. 2004 Apr;23(4):289-99. Piao C et al. Identification of multiple ACVRL1 mutations in patients with pulmonary arterial hypertension by targeted exome capture. Clin Sci (Lond). 2016 Sep 1;130(17):1559-69. Ricard N et al. Functional analysis of the BMP9 response of ALK1 mutants from HHT2 patients: a diagnostic tool for novel ACVRL1 mutations. Blood. 2010 Sep 2;116(9):1604-12. Trembath RC et al. Clinical and molecular genetic features of pulmonary hypertension in patients with hereditary hemorrhagic telangiectasia. N Engl J Med. 2001 Aug 2;345(5):325-34.

NIHR Bioresource Rare Diseases, University of Cambridge
Classification: Likely pathogenic for Telangiectasia, hereditary hemorrhagic, type 2. Last evaluated: 2018-01-01. Review status: criteria provided, single submitter. Criteria: ACMG Guidelines, 2015. Collection method: research. Allele origin: unknown. Affected: yes. Observed: 5 variant alleles.
Comment: PS3+PM2+PP4+PP5

OMIM
Classification: Pathogenic for TELANGIECTASIA, HEREDITARY HEMORRHAGIC, TYPE 2. Last evaluated: 2008-06-01. Review status: no assertion criteria provided. Collection method: literature only. Allele origin: germline. Not counted in ClinVar's aggregate classification.

OMIM
Classification: Pathogenic for PULMONARY ARTERIAL HYPERTENSION, HEREDITARY HEMORRHAGIC TELANGIECTASIA-RELATED. Last evaluated: 2008-06-01. Review status: no assertion criteria provided. Collection method: literature only. Allele origin: germline. Not counted in ClinVar's aggregate classification.

Literature cited by the submitters: PubMed 11484689 (cited by 5 submitters); PubMed 15024723 (cited by 4 submitters); PubMed 15880681 (cited by Labcorp Genetics (formerly Invitae), Labcorp); PubMed 20501893 (cited by 4 submitters); PubMed 23124896 (cited by Labcorp Genetics (formerly Invitae), Labcorp and Mayo Clinic Laboratories, Mayo Clinic); PubMed 26176610 (cited by 3 submitters); PubMed 8640225 (cited by Labcorp Genetics (formerly Invitae), Labcorp); PubMed 14684682 (cited by Labcorp Genetics (formerly Invitae), Labcorp); PubMed 27316748 (cited by Mayo Clinic Laboratories, Mayo Clinic and Ambry Genetics); PubMed 28823282 (cited by Mayo Clinic Laboratories, Mayo Clinic); PubMed 29631995 (cited by Mayo Clinic Laboratories, Mayo Clinic and Ambry Genetics); PubMed 30578397 (cited by Mayo Clinic Laboratories, Mayo Clinic); PubMed 12700602 (cited by Ambry Genetics); PubMed 27613157 (cited by Ambry Genetics); PubMed 32573726 (cited by NIHR Bioresource Rare Diseases, University of Cambridge); PubMed 18285823 (cited by OMIM).